The following is an entry in ClinVar:

NM_020458.4(TTC7A):c.1397A>G (p.Glu466Gly)

Gene: TTC7A (tetratricopeptide repeat domain 7A; plus strand). Cytogenetic location: 2p21.
Variant type: single nucleotide variant.
Coding change: c.1397A>G on transcript NM_020458.4 (MANE Select); coding-DNA position 1397, A replaced by G.
Protein change: p.Glu466Gly; replaces glutamic acid 466 with glycine.
Molecular consequence: missense variant.
Genome position (GRCh38, 1-based): chr2:47,021,866, A>G. VCF-style: chr2-47021866-A-G. GRCh37 (hg19) VCF-style: chr2-47249005-A-G.
Other names: c.1397A>G, p.Glu466Gly (NM_001288951.2); c.1295A>G, p.Glu432Gly (NM_001288953.2); c.335A>G, p.Glu112Gly (NM_001288955.2); short protein forms E432G, E112G, E466G.
Identifiers: ClinVar variation 948792 (VCV000948792.7), dbSNP rs1249228239, ClinGen allele CA346715922.

ClinVar aggregate classification (germline): Uncertain significance (1 of 4 stars; one submission).

Conditions:
Multiple gastrointestinal atresias. Also called: Multiple intestinal atresia; FAMILIAL INTESTINAL POLYATRESIA SYNDROME. Identifiers: Orphanet 2300, MedGen C0220744, MONDO:0009465.

Allele frequency attached by ClinVar (database versions not stated): gnomAD exomes below 0.00001; TOPMed 0.00002.
gnomAD v4.1: 2 of 1,614,020 alleles (0.00012%); highest among the groups gnomAD compares: Admixed American, 0.0033%; no homozygotes.

Submission:

Labcorp Genetics (formerly Invitae), Labcorp
Classification: Uncertain significance for Multiple gastrointestinal atresias. Last evaluated: 2023-05-09. Review status: criteria provided, single submitter. Criteria: Invitae Variant Classification Sherloc (09022015). Collection method: clinical testing. Allele origin: germline.
Comment: In summary, the available evidence is currently insufficient to determine the role of this variant in disease. Therefore, it has been classified as a Variant of Uncertain Significance. Advanced modeling of protein sequence and biophysical properties (such as structural, functional, and spatial information, amino acid conservation, physicochemical variation, residue mobility, and thermodynamic stability) performed at Invitae indicates that this missense variant is expected to disrupt TTC7A protein function. ClinVar contains an entry for this variant (Variation ID: 948792). This variant has not been reported in the literature in individuals affected with TTC7A-related conditions. This variant is present in population databases (no rsID available, gnomAD 0.003%). This sequence change replaces glutamic acid, which is acidic and polar, with glycine, which is neutral and non-polar, at codon 466 of the TTC7A protein (p.Glu466Gly).